The following is an entry in ClinVar:

NM_001365276.2(TNXB):c.9849G>A (p.Thr3283=)

Gene: TNXB (tenascin XB; minus strand). Cytogenetic location: 6p21.33.
Variant type: single nucleotide variant.
Coding change: c.9849G>A on transcript NM_001365276.2 (MANE Select); coding-DNA position 9849, G replaced by A.
Protein change: p.Thr3283=; no amino-acid change (threonine 3283 retained).
Molecular consequence: synonymous variant.
Genome position (GRCh38, 1-based): chr6:32,048,559, C>T on the plus strand (G>A on the coding strand, the complement: TNXB is on the minus strand). VCF-style: chr6-32048559-C-T. GRCh37 (hg19) VCF-style: chr6-32016336-C-T.
Other names: p.Thr3281=; c.9843G>A, p.Thr3281= (NM_019105.8).
Identifiers: ClinVar variation 1196939 (VCV001196939.11), dbSNP rs147118175, ClinGen allele CA3733376.

ClinVar aggregate classification (germline): Benign/Likely benign. Review status: criteria provided, multiple submitters, no conflicts (2 of 4 stars). 7 submissions from 7 submitters: Benign (5); Likely benign (2). Last evaluated 2026-03-31.

Conditions:
Cardiovascular phenotype. Identifiers: MedGen CN230736.
Ehlers-Danlos syndrome (EDS). Identifiers: Orphanet 98249, MedGen C0013720, MONDO:0020066.

Allele frequency attached by ClinVar (database versions not stated): gnomAD exomes 0.00066 and 0.00200; ExAC 0.00243; 1000 Genomes Project 30x 0.00593; 1000 Genomes Project 0.00599; gnomAD 0.00795 and 0.00874; ESP Exome Variant Server 0.00815; TOPMed 0.00872.
gnomAD v4.1: 2,181 of 1,564,170 alleles (0.14%); highest among the groups gnomAD compares: African/African-American, 2.5%; 28 homozygotes.

Submissions (7):

Women's Health and Genetics/Laboratory Corporation of America, LabCorp
Classification: Benign. Last evaluated: 2026-03-31. Review status: criteria provided, single submitter. Criteria: LabCorp Variant Classification Summary - May 2015. Collection method: clinical testing. Allele origin: germline.

Labcorp Genetics (formerly Invitae), Labcorp
Classification: Benign. Last evaluated: 2026-02-04. Review status: criteria provided, single submitter. Criteria: Invitae Variant Classification Sherloc (09022015). Collection method: clinical testing. Allele origin: germline.

Mayo Clinic Laboratories, Mayo Clinic
Classification: Benign. Last evaluated: 2023-02-01. Review status: criteria provided, single submitter. Criteria: ACMG Guidelines, 2015. Collection method: clinical testing. Allele origin: germline. Observed: 7 variant alleles.
Comment: BS1, BS2, BP4, BP7

GeneDx
Classification: Likely benign. Last evaluated: 2021-05-22. Review status: criteria provided, single submitter. Criteria: GeneDx Variant Classification Process June 2021. Collection method: clinical testing. Allele origin: germline. Affected: yes.

Genome Diagnostics Laboratory, The Hospital for Sick Children
Classification: Benign for Ehlers-Danlos syndrome. Last evaluated: 2020-02-01. Review status: criteria provided, single submitter. Criteria: ACMG Guidelines, 2015. Collection method: clinical testing. Allele origin: germline.

Ambry Genetics
Classification: Benign for Cardiovascular phenotype. Last evaluated: 2019-03-22. Review status: criteria provided, single submitter. Criteria: Ambry Variant Classification Scheme 2023. Collection method: clinical testing. Allele origin: germline.

Breakthrough Genomics
Classification: Likely benign. Review status: criteria provided, single submitter. Criteria: ACMG Guidelines, 2015. Collection method: not provided. Allele origin: germline. Inheritance: Autosomal recessive inheritance. Affected: yes.